The following is an entry in ClinVar:

NM_001267550.2(TTN):c.90418C>T (p.Gln30140Ter)

Genes: TTN-AS1 (TTN antisense RNA 1; plus strand), TTN (titin; minus strand). Cytogenetic location: 2q31.2.
Variant type: single nucleotide variant.
Coding change: c.90418C>T on transcript NM_001267550.2 (MANE Select); coding-DNA position 90418, C replaced by T.
Protein change: p.Gln30140Ter; replaces glutamine 30140 with a stop codon.
Molecular consequence: nonsense.
Genome position (GRCh38, 1-based): chr2:178,552,482, G>A on the plus strand (C>T on the coding strand, the complement: TTN is on the minus strand). VCF-style: chr2-178552482-G-A. GRCh37 (hg19) VCF-style: chr2-179417209-G-A.
Other names: c.85495C>T, p.Gln28499Ter (NM_001256850.1); c.63223C>T, p.Gln21075Ter (NM_003319.4); c.82714C>T, p.Gln27572Ter (NM_133378.4); c.63598C>T, p.Gln21200Ter (NM_133432.3); c.63799C>T, p.Gln21267Ter (NM_133437.4); short protein forms Q21075*, Q21200*, Q27572*, Q28499*, Q30140*, Q21267*.
Identifiers: ClinVar variation 1491239 (VCV001491239.8), dbSNP rs2154151302, ClinGen allele CA349510962.

ClinVar aggregate classification (germline): Likely pathogenic (1 of 4 stars; one submission).

Conditions:
Dilated cardiomyopathy 1G (CMD1G). Identifiers: Orphanet 154, MedGen C1858763, MONDO:0011400, OMIM 604145.
Autosomal recessive limb-girdle muscular dystrophy type 2J (LGMDR10). Also called: Limb-girdle muscular dystrophy, type 2J; MUSCULAR DYSTROPHY, LIMB-GIRDLE, AUTOSOMAL RECESSIVE 10. Identifiers: Orphanet 140922, MedGen C1837342, MONDO:0012127, OMIM 608807.

Submission:

Labcorp Genetics (formerly Invitae), Labcorp
Classification: Likely pathogenic for Dilated cardiomyopathy 1G; Autosomal recessive limb-girdle muscular dystrophy type 2J. Last evaluated: 2021-03-27. Review status: criteria provided, single submitter. Criteria: Invitae Variant Classification Sherloc (09022015). Collection method: clinical testing. Allele origin: germline.
Comment: In summary, the currently available evidence indicates that the variant is pathogenic, but additional data are needed to prove that conclusively. Therefore, this variant has been classified as Likely Pathogenic. This variant is located in the A band of TTN (PMID: 25589632). Truncating variants in this region are significantly overrepresented in patients affected with dilated cardiomyopathy (PMID: 25589632). Truncating variants in this region have also been reported in individuals affected with autosomal recessive centronuclear myopathy (PMID: 23975875). This variant has not been reported in the literature in individuals with TTN-related conditions. This variant is not present in population databases (ExAC no frequency). This sequence change creates a premature translational stop signal (p.Gln30140*) in the TTN gene. While this is not anticipated to result in nonsense mediated decay, it is expected to create a truncated TTN protein.

Literature cited by the submitters: PubMed 25589632; PubMed 23975875.